The following is an entry in ClinVar:

ClinVar aggregate classification (germline): Conflicting classifications of pathogenicity. Review status: criteria provided, conflicting classifications (1 of 4 stars). 2 submissions from 2 submitters: Likely pathogenic (1); Uncertain significance (1). Last evaluated 2017-06-27.

Conditions:
Nemaline myopathy 10 (NEM10). Identifiers: MedGen C4015360, MONDO:0014513, OMIM 616165.

Submissions (2):

Labcorp Genetics (formerly Invitae), Labcorp
Classification: Uncertain significance for Nemaline myopathy 10. Last evaluated: 2017-06-27. Review status: criteria provided, single submitter. Criteria: Invitae Variant Classification Sherloc (09022015). Collection method: clinical testing. Allele origin: germline.
Comment: This sequence change replaces leucine with proline at codon 260 of the LMOD3 protein (p.Leu260Pro). The leucine residue is highly conserved and there is a moderate physicochemical difference between leucine and proline. This variant is not present in population databases (ExAC no frequency). This variant has not been reported in the literature in individuals with LMOD3-related disease. Algorithms developed to predict the effect of missense changes on protein structure and function (SIFT, PolyPhen-2, Align-GVGD) all suggest that this variant is likely to be disruptive, but these predictions have not been confirmed by published functional studies and their clinical significance is uncertain. In summary, the available evidence is currently insufficient to determine the role of this variant in disease. Therefore, it has been classified as a Variant of Uncertain Significance.

GeneDx
Classification: Likely pathogenic. Last evaluated: 2015-12-10. Review status: criteria provided, single submitter. Criteria: GeneDx Variant Classification (06012015). Collection method: clinical testing. Allele origin: germline. Affected: yes.
Comment: The L260P variant in the LMOD3 gene has not been reported previously as a pathogenic variant, nor as a benign variant, to our knowledge. The L260P variant was not observed in approximately 6000 individuals of European and African American ancestry in the NHLBI Exome Sequencing Project, indicating it is not a common benign variant in these populations. The L260P variant is a semi-conservative amino acid substitution, which may impact secondary protein structure as these residues differ in some properties. This substitution occurs at a position that is conserved across species and in silico analysis predicts this variant is probably damaging to the protein structure/function. The L260P variant is a strong candidate for a pathogenic variant, however the possibility it may be a rare benign variant cannot be excluded.

NM_198271.5(LMOD3):c.779T>C (p.Leu260Pro)

Gene: LMOD3 (leiomodin 3; minus strand). Cytogenetic location: 3p14.1.
Variant type: single nucleotide variant.
Coding change: c.779T>C on transcript NM_198271.5 (MANE Select); coding-DNA position 779, T replaced by C.
Protein change: p.Leu260Pro; replaces leucine 260 with proline.
Molecular consequence: missense variant.
Genome position (GRCh38, 1-based): chr3:69,119,576, A>G on the plus strand (T>C on the coding strand, the complement: LMOD3 is on the minus strand). VCF-style: chr3-69119576-A-G. GRCh37 (hg19) VCF-style: chr3-69168727-A-G.
Other names: c.779T>C, p.Leu260Pro (NM_001304418.3); short protein forms L260P.
Identifiers: ClinVar variation 432042 (VCV000432042.4), dbSNP rs1553687898, ClinGen allele CA353474761.
Genomic context (GRCh38, chr3:69,119,576, plus strand): 5'-TTCTTCATTGCATTGACAAAGTCCAGTAACATTTCTTTGGGGATGTTTTCAATGTTGTTC[A>G]GGTTGAGTTCCTTCATGTCAGGATCATTTTTCCTAACTCTCCTCAAGCTCCCATCCAGGT-3'
Protein context (NP_938012.2, residues 250-270): KNDPDMKELN[Leu260Pro]NNIENIPKEM